The following is an entry in ClinVar:

ClinVar aggregate classification (germline): Uncertain significance (1 of 4 stars; one submission).

Conditions:
Periventricular nodular heterotopia 6 (PVNH6). Identifiers: Orphanet 2149, MedGen C3809872, MONDO:0014240, OMIM 615544.

Submission:

Laboratorio de Genetica e Diagnostico Molecular, Hospital Israelita Albert Einstein
Classification: Uncertain significance for Periventricular nodular heterotopia 6. Last evaluated: 2024-04-15. Review status: criteria provided, single submitter. Criteria: ACMG Guidelines, 2015. Collection method: clinical testing. Allele origin: germline. Affected: yes.
Comment: ACMG classification criteria: PVS1 strong, PM2 supporting

NM_018341.3(ERMARD):c.451_454del (p.Phe150_Leu151insTer)

Gene: ERMARD (ER membrane associated RNA degradation; plus strand). Cytogenetic location: 6q27.
Variant type: Microsatellite.
Coding change: c.451_454del on transcript NM_018341.3 (MANE Select); coding-DNA positions 451 to 454, 4 bases deleted (CTTT; older notation c.451_454delCTTT).
Protein change: p.Phe150_Leu151insTer.
Molecular consequence: nonsense.
Genome position (GRCh38, 1-based): chr6:169,756,752-169,756,755, CTTT deleted; deleting any 4 consecutive bases within chr6:169,756,748-169,756,755 gives the same sequence; the c. name uses the placement nearest the transcript's 3' end. VCF-style (leftmost placement, unchanged base first): chr6-169756747-CCTTT-C. GRCh37 (hg19) VCF-style: chr6-170156843-CCTTT-C.
Other names: c.451_454del, p.Phe150_Leu151insTer (NM_001278531.2, NM_001278533.2); c.73_76del, p.Phe24_Leu25insTer (NM_001278532.2, NM_001410957.1).
Identifiers: ClinVar variation 3901997 (VCV003901997.1).